The following is an entry in ClinVar:

NM_003560.4(PLA2G6):c.848A>G (p.Asp283Gly)

Gene: PLA2G6 (phospholipase A2 group VI; minus strand). Cytogenetic location: 22q13.1.
Variant type: single nucleotide variant.
Coding change: c.848A>G on transcript NM_003560.4 (MANE Select); coding-DNA position 848, A replaced by G.
Protein change: p.Asp283Gly; replaces aspartic acid 283 with glycine.
Molecular consequence: missense variant.
Genome position (GRCh38, 1-based): chr22:38,135,034, T>C on the plus strand (A>G on the coding strand, the complement: PLA2G6 is on the minus strand). VCF-style: chr22-38135034-T-C. GRCh37 (hg19) VCF-style: chr22-38531041-T-C.
Other names: NM_003560.4(PLA2G6):c.848A>G; p.Asp283Gly; c.848A>G, p.Asp283Gly (NM_001004426.3, NM_001199562.3, NM_001349864.2 and 2 more transcripts); c.314A>G, p.Asp105Gly (NM_001349867.2, NM_001349869.2); c.170A>G, p.Asp57Gly (NM_001349868.2); short protein forms D105G, D283G, D57G.
Identifiers: ClinVar variation 1217847 (VCV001217847.6), dbSNP rs746405809, ClinGen allele CA10231127.

ClinVar aggregate classification (germline): Conflicting classifications of pathogenicity. Review status: criteria provided, conflicting classifications (1 of 4 stars). 3 submissions from 3 submitters: Likely pathogenic (1); Uncertain significance (2). Last evaluated 2023-01-24.

Conditions:
PLA2G6-associated neurodegeneration (PLAN). Also called: phospholipase A2-associated neurodegeneration. Identifiers: Orphanet 329303, MedGen CN204472, MONDO:0017998.
Infantile neuroaxonal dystrophy (NBIA2A). Also called: NEURODEGENERATION WITH BRAIN IRON ACCUMULATION 2A; SEITELBERGER DISEASE; Infantile neuroaxonal dystrophy 1. Identifiers: Orphanet 35069, MedGen C0270724, MONDO:0024457, OMIM 256600.

Allele frequency attached by ClinVar (database versions not stated): gnomAD exomes 0.00003 and 0.00002; gnomAD 0.00001; ExAC 0.00003; TOPMed 0.00001.
gnomAD v4.1: 15 of 1,397,508 alleles (0.0011%); highest among the groups gnomAD compares: Non-Finnish European, 0.0012%; no homozygotes.

Submissions (3):

Broad Center for Mendelian Genomics, Broad Institute of MIT and Harvard
Classification: Uncertain significance for PLA2G6-associated neurodegeneration. Last evaluated: 2023-01-24. Review status: criteria provided, single submitter. Criteria: ACMG Guidelines, 2015. Collection method: curation. Allele origin: germline. Inheritance: Autosomal recessive inheritance.
Comment: The p.Asp283Gly variant in PLA2G6 has been reported in 2 individuals with PLA2G6-associated neurodegeneration (PMID: 16783378, 33726816) and has been identified in 0.004% (5/112496) of European (non-Finnish) chromosomes by the Genome Aggregation Database (gnomAD; dbSNP ID: rs746405809). Although this variant has been seen in the general population in a heterozygous state, its frequency is low enough to be consistent with a recessive carrier frequency. This variant has also been reported in ClinVar (Variation ID#: 1217847) and has been interpreted as likely pathogenic by GeneDx and as a variant of uncertain significance by Invitae. Of the 2 affected individuals, 1 of those was a homozygote, which increases the likelihood that the p.Asp283Gly variant is pathogenic (PMID: 16783378). Computational prediction tools and conservation analyses do not provide strong support for or against an impact to the protein. In summary, the clinical significance of the p.Asp283Gly variant is uncertain. ACMG/AMP Criteria applied: PM2_supporting, PM3_supporting (Richards 2015).

Labcorp Genetics (formerly Invitae), Labcorp
Classification: Uncertain significance for Infantile neuroaxonal dystrophy. Last evaluated: 2021-09-26. Review status: criteria provided, single submitter. Criteria: Invitae Variant Classification Sherloc (09022015). Collection method: clinical testing. Allele origin: germline.
Comment: This sequence change replaces aspartic acid with glycine at codon 283 of the PLA2G6 protein (p.Asp283Gly). The aspartic acid residue is highly conserved and there is a moderate physicochemical difference between aspartic acid and glycine. This variant is present in population databases (rs746405809, ExAC 0.006%). This missense change has been observed in individual(s) with infantile neuroaxonal dystrophy (PMID: 16783378). Advanced modeling of protein sequence and biophysical properties (such as structural, functional, and spatial information, amino acid conservation, physicochemical variation, residue mobility, and thermodynamic stability) performed at Invitae indicates that this missense variant is expected to disrupt PLA2G6 protein function. This variant disrupts the p.Asp283 amino acid residue in PLA2G6. Other variant(s) that disrupt this residue have been observed in individuals with PLA2G6-related conditions (PMID: 16783378, 27081553), which suggests that this may be a clinically significant amino acid residue. In summary, the available evidence is currently insufficient to determine the role of this variant in disease. Therefore, it has been classified as a Variant of Uncertain Significance.

GeneDx
Classification: Likely pathogenic. Last evaluated: 2020-08-11. Review status: criteria provided, single submitter. Criteria: GeneDx Variant Classification Process June 2021. Collection method: clinical testing. Allele origin: germline. Affected: yes.
Comment: Not observed at a significant frequency in large population cohorts (Lek et al., 2016); In silico analysis, which includes protein predictors and evolutionary conservation, supports a deleterious effect; A different missense change at this residue (D283N) has been reported in the Human Gene Mutation Database (Stenson et al., 2014); This variant is associated with the following publications: (PMID: 16783378, 30363439)

Literature cited by the submitters: PubMed 16783378 (cited by Labcorp Genetics (formerly Invitae), Labcorp); PubMed 27081553 (cited by Labcorp Genetics (formerly Invitae), Labcorp).